The following is an entry in ClinVar:

NC_000006.12:g.(?_129049908)_(129300882_?)dup

Gene: LAMA2 (laminin subunit alpha 2; plus strand). Cytogenetic location: 6q22.33.
Variant type: Duplication.
Identifiers: ClinVar variation 832277 (VCV000832277.1).

ClinVar aggregate classification (germline): Likely pathogenic (1 of 4 stars; one submission).

Conditions:
LAMA2-related muscular dystrophy (LAMA2-RD). Also called: Laminin alpha 2-related dystrophy. Identifiers: MedGen C5679788, MONDO:0100228.

Submission:

Labcorp Genetics (formerly Invitae), Labcorp
Classification: Likely pathogenic for Laminin alpha 2-related dystrophy. Last evaluated: 2019-05-01. Review status: criteria provided, single submitter. Criteria: Invitae Variant Classification Sherloc (09022015). Collection method: clinical testing. Allele origin: germline.
Comment: This variant is a gross duplication of the genomic region encompassing exons 2-22 of the LAMA2 gene. While the exact position of the duplicated exons cannot be determined from this data, the duplicated copy of this region is likely in tandem and may result in an absent or disrupted protein product. This copy number variant has not been reported in the literature in individuals with LAMA2-related disease. Sub-genic duplications are generally in tandem (PMID: 25640679), and result in an absent or disrupted protein. Loss-of-function variants in LAMA2 are known to be pathogenic (PMID: 18700894). In summary, the currently available evidence indicates that the variant is pathogenic, but additional data are needed to prove that conclusively. Therefore, this variant has been classified as Likely Pathogenic.